The following is an entry in ClinVar:

NM_177550.5(SLC13A5):c.1156+20C>T

Gene: SLC13A5 (solute carrier family 13 member 5; minus strand). Cytogenetic location: 17p13.1.
Variant type: single nucleotide variant.
Coding change: c.1156+20C>T on transcript NM_177550.5 (MANE Select); 20 bases into the intron after coding-DNA position 1156, C replaced by T.
Molecular consequence: intron variant.
Genome position (GRCh38, 1-based): chr17:6,694,077, G>A on the plus strand (C>T on the coding strand, the complement: SLC13A5 is on the minus strand). VCF-style: chr17-6694077-G-A. GRCh37 (hg19) VCF-style: chr17-6597396-G-A.
Other names: c.1027+20C>T (NM_001284510.2); c.1105+20C>T (NM_001284509.2); c.1156+20C>T (NM_001143838.3).
Identifiers: ClinVar variation 1030353 (VCV001030353.7), dbSNP rs368150158, ClinGen allele CA8331501.

ClinVar aggregate classification (germline): Conflicting classifications of pathogenicity. Review status: criteria provided, conflicting classifications (1 of 4 stars). 3 submissions from 3 submitters: Uncertain significance (1); Likely benign (2). Last evaluated 2025-03-12.

Conditions:
Developmental and epileptic encephalopathy, 25 (DEE25). Also called: Developmental and epileptic encephalopathy 25, with amelogenesis imperfecta; Epileptic encephalopathy, early infantile, 25, with amelogenesis imperfecta; Epileptic encephalopathy, early infantile, 25. Identifiers: Orphanet 442835, MedGen C4014621, MONDO:0014392, OMIM 615905.

Allele frequency attached by ClinVar (database versions not stated): TOPMed 0.00003; gnomAD 0.00004; gnomAD exomes 0.00007; ExAC 0.00011.
gnomAD v4.1: 45 of 1,562,396 alleles (0.0029%); highest among the groups gnomAD compares: East Asian, 0.0068%; no homozygotes.

Submissions (3):

Labcorp Genetics (formerly Invitae), Labcorp
Classification: Likely benign for Developmental and epileptic encephalopathy, 25. Last evaluated: 2025-03-12. Review status: criteria provided, single submitter. Criteria: Invitae Variant Classification Sherloc (09022015). Collection method: clinical testing. Allele origin: germline.

Blueprint Genetics
Classification: Likely benign. Last evaluated: 2024-11-08. Review status: criteria provided, single submitter. Criteria: ACMG Guidelines, 2015. Collection method: clinical testing. Allele origin: germline.

Baylor Genetics
Classification: Uncertain significance for Developmental and epileptic encephalopathy, 25. Last evaluated: 2019-11-15. Review status: criteria provided, single submitter. Criteria: ACMG Guidelines, 2015. Collection method: clinical testing. Allele origin: paternal. Affected: yes.
Comment: This variant was determined to be of uncertain significance according to ACMG Guidelines, 2015 [PMID:25741868].